The following is an entry in ClinVar:

ClinVar aggregate classification (germline): Uncertain significance (1 of 4 stars; one submission).

Conditions:
Hereditary cancer-predisposing syndrome. Also called: Hereditary neoplastic syndrome; Neoplastic Syndromes, Hereditary; Tumor predisposition; Hereditary Cancer Syndrome. Identifiers: Orphanet 140162, MedGen C0027672, MeSH D009386, MONDO:0015356.

Submission:

Ambry Genetics
Classification: Uncertain significance for Hereditary cancer-predisposing syndrome. Last evaluated: 2025-08-27. Review status: criteria provided, single submitter. Criteria: Ambry Variant Classification Scheme 2023. Collection method: clinical testing. Allele origin: germline.
Comment: The p.S255R variant (also known as c.765C>G), located in coding exon 9 of the MUTYH gene, results from a C to G substitution at nucleotide position 765. The serine at codon 255 is replaced by arginine, an amino acid with dissimilar properties. This amino acid position is conserved. In addition, this alteration is predicted to be tolerated by in silico analysis. Based on the available evidence, the clinical significance of this variant remains unclear.

NM_001048174.2(MUTYH):c.681C>G (p.Ser227Arg)

Gene: MUTYH (mutY DNA glycosylase; minus strand). Cytogenetic location: 1p34.1.
Variant type: single nucleotide variant.
Coding change: c.681C>G on transcript NM_001048174.2 (MANE Select); coding-DNA position 681, C replaced by G.
Protein change: p.Ser227Arg; replaces serine 227 with arginine.
Molecular consequence: missense variant. On other transcripts: non-coding transcript variant (7).
Genome position (GRCh38, 1-based): chr1:45,332,414, G>C on the plus strand (C>G on the coding strand, the complement: MUTYH is on the minus strand). VCF-style: chr1-45332414-G-C. GRCh37 (hg19) VCF-style: chr1-45798086-G-C.
Other names: c.726C>G, p.Ser242Arg (NM_001293190.2); c.714C>G, p.Ser238Arg (NM_001293191.2, NM_001407069.1, NM_001407077.1); c.405C>G, p.Ser135Arg (NM_001293192.2, NM_001293196.2, NM_001407091.1); c.681C>G, p.Ser227Arg (NM_001293195.2, NM_001407070.1, NM_001407088.1 and 6 more transcripts); c.336C>G, p.Ser112Arg (NM_001350650.2, NM_001350651.2, NM_001407082.1); c.723C>G, p.Ser241Arg (NM_001407083.1, NM_001407085.1); c.684C>G, p.Ser228Arg (NM_001407086.1, NM_001048172.2, NM_001407071.1 and 1 more transcripts); c.702C>G, p.Ser234Arg (NM_001407087.1); and 5 more; short protein forms S112R, S199R, S214R, S252R, S234R, S242R, S227R, S228R.
Identifiers: ClinVar variation 4113819 (VCV004113819.1).
Genomic context (GRCh38, chr1:45,332,414, plus strand): 5'-ACACCCCTGAAGCACCCTTGTTACCCCAACATCCTACCAGAGCTGCTGGGAAACAAGGGT[G>C]CTGCTGGGATCAGCACCAATGGCTCGGACACGGCACAGCACCCGTGCTACGTTGCCATCC-3'
Protein context (NP_001041639.1, residues 217-237): RVRAIGADPS[Ser227Arg]TLVSQQLWGL